The following is an entry in ClinVar:

NM_004341.5(CAD):c.4214_4220del (p.Leu1405fs)

Gene: CAD (carbamoyl-phosphate synthetase 2, aspartate transcarbamylase, and dihydroorotase; plus strand). Cytogenetic location: 2p23.3.
Variant type: Deletion.
Coding change: c.4214_4220del on transcript NM_004341.5 (MANE Select); coding-DNA positions 4214 to 4220, 7 bases deleted (TCTCTTC; older notation c.4214_4220delTCTCTTC).
Protein change: p.Leu1405fs; shifts the reading frame from leucine 1405.
Molecular consequence: frameshift variant.
Genome position (GRCh38, 1-based): chr2:27,236,423-27,236,429, TCTCTTC deleted; deleting any 7 consecutive bases within chr2:27,236,421-27,236,429 gives the same sequence; the c. name uses the placement nearest the transcript's 3' end. VCF-style (leftmost placement, unchanged base first): chr2-27236420-GTCTCTCT-G. GRCh37 (hg19) VCF-style: chr2-27459288-GTCTCTCT-G.
Other names: c.4025_4031del, p.Leu1342fs (NM_001306079.2); short protein forms L1342fs, L1405fs.
Identifiers: ClinVar variation 2706674 (VCV002706674.3), dbSNP rs2465341623, ClinGen allele CA2697547915.
Genomic context (GRCh38, chr2:27,236,420, plus strand): 5'-TAGCTGAGAAAAACTTTGAGCTGGTGATTAACCTGTCAATGCGTGGAGCTGGGGGCCGGC[GTCTCTCT>G]TCCTTTGTCACCAAGGGCTACCGCACCCGACGCTTGGCCGCTGACTTCTCCGTGCCCCTA-3'

ClinVar aggregate classification (germline): Pathogenic (1 of 4 stars; one submission).

Submission:

Labcorp Genetics (formerly Invitae), Labcorp
Classification: Pathogenic. Last evaluated: 2024-01-07. Review status: criteria provided, single submitter. Criteria: Invitae Variant Classification Sherloc (09022015). Collection method: clinical testing. Allele origin: germline.
Comment: This sequence change creates a premature translational stop signal (p.Leu1405Profs*20) in the CAD gene. It is expected to result in an absent or disrupted protein product. Loss-of-function variants in CAD are known to be pathogenic (PMID: 28007989, 32117025, 32820246, 33497533). This variant is not present in population databases (gnomAD no frequency). This variant has not been reported in the literature in individuals affected with CAD-related conditions. For these reasons, this variant has been classified as Pathogenic.

Literature cited by the submitters: PubMed 28007989; PubMed 32117025; PubMed 32820246; PubMed 33497533.